The following is an entry in ClinVar:

ClinVar aggregate classification (germline): Uncertain significance. Review status: criteria provided, multiple submitters, no conflicts (2 of 4 stars). 3 submissions from 3 submitters: Uncertain significance (3). Last evaluated 2025-08-05.

Conditions:
Osteogenesis imperfecta type I (OI1). Also called: Lobstein disease; Classic Non-deforming Osteogenesis Imperfecta with Blue Sclerae; OI, TYPE I; OSTEOGENESIS IMPERFECTA TARDA; OSTEOGENESIS IMPERFECTA WITH BLUE SCLERAE; Osteogenesis imperfecta type 1. Identifiers: Orphanet 216796, Orphanet 666, MedGen C0023931, MONDO:0008146, OMIM 166200. Disease mechanism: loss of function.
COL1A1-related disorder. Also called: COL1A1- related disease; COL1A1-related condition.

Allele frequency attached by ClinVar (database versions not stated): gnomAD exomes below 0.00001; gnomAD 0.00001.
gnomAD v4.1: 3 of 1,612,422 alleles (0.00019%); highest among the groups gnomAD compares: African/African-American, 0.0013%; no homozygotes.

Submissions (3):

GeneDx
Classification: Uncertain significance. Last evaluated: 2025-08-05. Review status: criteria provided, single submitter. Criteria: GeneDx Variant Classification Process June 2021. Collection method: clinical testing. Allele origin: germline. Affected: yes.
Comment: Not observed at significant frequency in large population cohorts (gnomAD); In silico analysis supports that this missense variant has a deleterious effect on protein structure/function; Has not been previously published as pathogenic or benign to our knowledge

PreventionGenetics, part of Exact Sciences
Classification: Uncertain significance for COL1A1-related condition. Last evaluated: 2023-01-06. Review status: criteria provided, single submitter. Criteria: ACMG Guidelines, 2015. Collection method: clinical testing. Allele origin: germline.
Comment: The COL1A1 c.3813T>A variant is predicted to result in the amino acid substitution p.Ser1271Arg. To our knowledge, this variant has not been reported in the literature. This variant is reported in 0.0% of alleles in individuals of African descent in gnomAD. At this time, the clinical significance of this variant is uncertain due to the absence of conclusive functional and genetic evidence.

Labcorp Genetics (formerly Invitae), Labcorp
Classification: Uncertain significance for Osteogenesis imperfecta type I. Last evaluated: 2021-12-17. Review status: criteria provided, single submitter. Criteria: Invitae Variant Classification Sherloc (09022015). Collection method: clinical testing. Allele origin: germline.
Comment: In summary, the available evidence is currently insufficient to determine the role of this variant in disease. Therefore, it has been classified as a Variant of Uncertain Significance. Algorithms developed to predict the effect of missense changes on protein structure and function are either unavailable or do not agree on the potential impact of this missense change (SIFT: "Deleterious"; PolyPhen-2: "Not Available"; Align-GVGD: "Class C0"). This variant has not been reported in the literature in individuals affected with COL1A1-related conditions. This variant is present in population databases (no rsID available, gnomAD 0.0009%). This sequence change replaces serine, which is neutral and polar, with arginine, which is basic and polar, at codon 1271 of the COL1A1 protein (p.Ser1271Arg).

NM_000088.4(COL1A1):c.3813T>A (p.Ser1271Arg)

Gene: COL1A1 (collagen type I alpha 1 chain; minus strand). Cytogenetic location: 17q21.33.
Variant type: single nucleotide variant.
Coding change: c.3813T>A on transcript NM_000088.4 (MANE Select); coding-DNA position 3813, T replaced by A.
Protein change: p.Ser1271Arg; replaces serine 1271 with arginine.
Molecular consequence: missense variant.
Genome position (GRCh38, 1-based): chr17:50,186,641, A>T on the plus strand (T>A on the coding strand, the complement: COL1A1 is on the minus strand). VCF-style: chr17-50186641-A-T. GRCh37 (hg19) VCF-style: chr17-48264002-A-T.
Other names: c.3813T>A (NM_000088.3); short protein forms S1271R.
Identifiers: ClinVar variation 1423777 (VCV001423777.7), dbSNP rs1341583755, ClinGen allele CA400195882.